The following is an entry in ClinVar:

NM_000083.3(CLCN1):c.893C>T (p.Ala298Val)

Gene: CLCN1 (chloride voltage-gated channel 1; plus strand). Cytogenetic location: 7q34.
Variant type: single nucleotide variant.
Coding change: c.893C>T on transcript NM_000083.3 (MANE Select); coding-DNA position 893, C replaced by T.
Protein change: p.Ala298Val; replaces alanine 298 with valine.
Molecular consequence: missense variant. On other transcripts: non-coding transcript variant (1).
Genome position (GRCh38, 1-based): chr7:143,330,811, C>T. VCF-style: chr7-143330811-C-T. GRCh37 (hg19) VCF-style: chr7-143027904-C-T.
Other names: short protein forms A298V.
Identifiers: ClinVar variation 2926343 (VCV002926343.3), dbSNP rs1802700924, ClinGen allele CA369641571.

ClinVar aggregate classification (germline): Likely pathogenic (1 of 4 stars; one submission).

Conditions:
Congenital myotonia, autosomal dominant form (THD). Also called: THOMSEN DISEASE; Myotonia congenita autosomal dominant. Identifiers: Orphanet 614, MedGen C2936781, MONDO:0008055, OMIM 160800.
Congenital myotonia, autosomal recessive form. Also called: BECKER DISEASE; Becker Generalized Myotonia; myotonia congenita, autosomal recessive. Identifiers: Orphanet 614, MedGen C0751360, MONDO:0009715, OMIM 255700.

Allele frequency attached by ClinVar (database versions not stated): TOPMed below 0.00001.

Submission:

Labcorp Genetics (formerly Invitae), Labcorp
Classification: Likely pathogenic for Congenital myotonia, autosomal recessive form; Congenital myotonia, autosomal dominant form. Last evaluated: 2023-09-14. Review status: criteria provided, single submitter. Criteria: Invitae Variant Classification Sherloc (09022015). Collection method: clinical testing. Allele origin: germline.
Comment: Advanced modeling of protein sequence and biophysical properties (such as structural, functional, and spatial information, amino acid conservation, physicochemical variation, residue mobility, and thermodynamic stability) performed at Invitae indicates that this missense variant is expected to disrupt CLCN1 protein function. In summary, the currently available evidence indicates that the variant is pathogenic, but additional data are needed to prove that conclusively. Therefore, this variant has been classified as Likely Pathogenic. This variant disrupts the p.Ala298 amino acid residue in CLCN1. Other variant(s) that disrupt this residue have been determined to be pathogenic (PMID: 21045501, 27118449, 27415035, 28706458). This suggests that this residue is clinically significant, and that variants that disrupt this residue are likely to be disease-causing. This variant has not been reported in the literature in individuals affected with CLCN1-related conditions. This variant is not present in population databases (gnomAD no frequency). This sequence change replaces alanine, which is neutral and non-polar, with valine, which is neutral and non-polar, at codon 298 of the CLCN1 protein (p.Ala298Val).

Literature cited by the submitters: PubMed 21045501; PubMed 27118449; PubMed 27415035; PubMed 28706458.